The following is an entry in ClinVar:

NM_001139.3(ALOX12B):c.1859C>A (p.Pro620Gln)

Gene: ALOX12B (arachidonate 12-lipoxygenase, 12R type; minus strand). Cytogenetic location: 17p13.1.
Variant type: single nucleotide variant.
Coding change: c.1859C>A on transcript NM_001139.3 (MANE Select); coding-DNA position 1859, C replaced by A.
Protein change: p.Pro620Gln; replaces proline 620 with glutamine.
Molecular consequence: missense variant.
Genome position (GRCh38, 1-based): chr17:8,073,215, G>T on the plus strand (C>A on the coding strand, the complement: ALOX12B is on the minus strand). VCF-style: chr17-8073215-G-T. GRCh37 (hg19) VCF-style: chr17-7976533-G-T.
Other names: c.1859C>A, p.Pro620Gln (LRG_1264t1); short protein forms P620Q.
Identifiers: ClinVar variation 374101 (VCV000374101.6), dbSNP rs780420901, ClinGen allele CA8367165.

ClinVar aggregate classification (germline): Conflicting classifications of pathogenicity. Review status: criteria provided, conflicting classifications (1 of 4 stars). 4 submissions from 4 submitters: Pathogenic (1); Uncertain significance (2). 1 of the submissions does not count toward it. Last evaluated 2026-02-13.

Conditions:
Autosomal recessive congenital ichthyosis 2 (ARCI2). Identifiers: Orphanet 281122, Orphanet 79394, MedGen C3888093, MONDO:0009439, OMIM 242100.
Ichthyosis. Also called: Ichthyosis (disease). Identifiers: Orphanet 79354, MedGen C0020757, MONDO:0019269, HP:0008064.

Allele frequency attached by ClinVar (database versions not stated): ExAC 0.00001; gnomAD exomes below 0.00001.
gnomAD v4.1: 1 of 1,614,160 alleles (0.000062%); highest among the groups gnomAD compares: Non-Finnish European, 0.000085%; no homozygotes.

Submissions (4):

GeneDx
Classification: Uncertain significance. Last evaluated: 2026-02-13. Review status: criteria provided, single submitter. Criteria: GeneDx Variant Classification Process June 2021. Collection method: clinical testing. Allele origin: germline.
Comment: Reported with another ALOX12B variant in a proband with self-improving congenital ichthyosis, but it is not known whether the variants occurred on the same (in cis) or on different (in trans) alleles (PMID: 33435499, 34273205); Not observed at significant frequency in large population cohorts (gnomAD); In silico analysis supports that this missense variant has a deleterious effect on protein structure/function; This variant is associated with the following publications: (PMID: 33435499, 36964972, 34273205)

Women's Health and Genetics/Laboratory Corporation of America, LabCorp
Classification: Uncertain significance. Last evaluated: 2024-12-11. Review status: criteria provided, single submitter. Criteria: LabCorp Variant Classification Summary - May 2015. Collection method: clinical testing. Allele origin: germline.
Comment: Variant summary: ALOX12B c.1859C>A (p.Pro620Gln) results in a non-conservative amino acid change in the encoded protein sequence. Five of five in-silico tools predict a damaging effect of the variant on protein function. The variant allele was found at a frequency of 4e-06 in 251462 control chromosomes (gnomAD). c.1859C>A has been reported in the literature in individuals affected with Ichthyosis in the homozygous and compound heterozygous state (Hotz_2021, Gorukmez_2023). These data indicate that the variant may be associated with disease. In one patient heterozygous with the variant, a co-occurrence with a pathogenic variant in a different gene with a dominant inheritance pattern was reported (KRT1 c.1757dup, p.Tyr587fs; Frommhertz_2021), providing supporting evidence for a benign role. To our knowledge, no experimental evidence demonstrating an impact on protein function has been reported. The following publications have been ascertained in the context of this evaluation (PMID: 33435499, 34273205, 36964972). ClinVar contains an entry for this variant (Variation ID: 374101). Based on the evidence outlined above, the variant was classified as VUS-possibly pathogenic.

Centre for Mendelian Genomics, University Medical Centre Ljubljana
Classification: Pathogenic for Ichthyosis. Last evaluated: 2015-06-22. Review status: criteria provided, single submitter. Criteria: ACMG Guidelines, 2015. Collection method: clinical testing. Allele origin: unknown. Affected: yes.

Institute for Human Genetics, University Medical Center Freiburg
Classification: Pathogenic for Autosomal recessive congenital ichthyosis 2. Last evaluated: 2021-01-07. Review status: no assertion criteria provided. Collection method: clinical testing. Allele origin: unknown. Affected: yes. Not counted in ClinVar's aggregate classification.

Literature cited by the submitters: PubMed 33435499 (cited by Women's Health and Genetics/Laboratory Corporation of America, LabCorp); PubMed 36964972 (cited by Women's Health and Genetics/Laboratory Corporation of America, LabCorp); PubMed 34273205 (cited by Women's Health and Genetics/Laboratory Corporation of America, LabCorp).